The following is an entry in ClinVar:

ClinVar aggregate classification (germline): Uncertain significance (1 of 4 stars; one submission).

Conditions:
Hereditary cancer-predisposing syndrome. Also called: Neoplastic Syndromes, Hereditary; Tumor predisposition; Hereditary Cancer Syndrome; Hereditary neoplastic syndrome. Identifiers: Orphanet 140162, MedGen C0027672, MeSH D009386, MONDO:0015356.

gnomAD v4.1: 1 of 1,614,228 alleles (0.000062%); highest among the groups gnomAD compares: Non-Finnish European, 0.000085%; no homozygotes.

Submission:

Ambry Genetics
Classification: Uncertain significance for Hereditary cancer-predisposing syndrome. Last evaluated: 2025-07-13. Review status: criteria provided, single submitter. Criteria: Ambry Variant Classification Scheme 2023. Collection method: clinical testing. Allele origin: germline.
Comment: The p.E379Q variant (also known as c.1135G>C), located in coding exon 4 of the AXIN2 gene, results from a G to C substitution at nucleotide position 1135. The glutamic acid at codon 379 is replaced by glutamine, an amino acid with highly similar properties. This amino acid position is conserved. In addition, the in silico prediction for this alteration is inconclusive. Based on the available evidence, the clinical significance of this variant remains unclear.

NM_004655.4(AXIN2):c.1135G>C (p.Glu379Gln)

Gene: AXIN2 (axin 2; minus strand). Cytogenetic location: 17q24.1.
Variant type: single nucleotide variant.
Coding change: c.1135G>C on transcript NM_004655.4 (MANE Select); coding-DNA position 1135, G replaced by C.
Protein change: p.Glu379Gln; replaces glutamic acid 379 with glutamine.
Molecular consequence: missense variant.
Genome position (GRCh38, 1-based): chr17:65,538,268, C>G on the plus strand (G>C on the coding strand, the complement: AXIN2 is on the minus strand). VCF-style: chr17-65538268-C-G. GRCh37 (hg19) VCF-style: chr17-63534386-C-G.
Other names: c.1135G>C, p.Glu379Gln (NM_001363813.1); short protein forms E379Q.
Identifiers: ClinVar variation 4188232 (VCV004188232.1).